The following is an entry in ClinVar:

NM_000166.6(GJB1):c.608T>A (p.Ile203Asn)

Gene: GJB1 (gap junction protein beta 1; plus strand). Cytogenetic location: Xq13.1.
Variant type: single nucleotide variant.
Coding change: c.608T>A on transcript NM_000166.6 (MANE Select); coding-DNA position 608, T replaced by A.
Protein change: p.Ile203Asn; replaces isoleucine 203 with asparagine.
Molecular consequence: missense variant.
Genome position (GRCh38, 1-based): chrX:71,224,315, T>A. VCF-style: chrX-71224315-T-A. GRCh37 (hg19) VCF-style: chrX-70444165-T-A.
Other names: c.608T>A, p.Ile203Asn (NM_001097642.3); short protein forms I203N.
Identifiers: ClinVar variation 637668 (VCV000637668.3), dbSNP rs1602349749, ClinGen allele CA413503285.

ClinVar aggregate classification (germline): Uncertain significance. Review status: criteria provided, single submitter (1 of 4 stars). 2 submissions from 2 submitters: Uncertain significance (1). 1 of the submissions does not count toward it. Last evaluated 2024-03-03.

Conditions:
Charcot-Marie-Tooth Neuropathy X. Identifiers: MedGen CN118851.
Charcot-Marie-Tooth disease. Also called: Charcot-Marie-Tooth Hereditary Neuropathy; Charcot-Marie-Tooth Neuropathy. Identifiers: Orphanet 166, MedGen C0007959, MONDO:0015626.

Submissions (2):

Labcorp Genetics (formerly Invitae), Labcorp
Classification: Uncertain significance for Charcot-Marie-Tooth Neuropathy X. Last evaluated: 2024-03-03. Review status: criteria provided, single submitter. Criteria: Invitae Variant Classification Sherloc (09022015). Collection method: clinical testing. Allele origin: germline.
Comment: This sequence change replaces isoleucine, which is neutral and non-polar, with asparagine, which is neutral and polar, at codon 203 of the GJB1 protein (p.Ile203Asn). This variant is not present in population databases (gnomAD no frequency). This missense change has been observed in individual(s) with GJB1-related conditions (PMID: 9401007, 9566397). ClinVar contains an entry for this variant (Variation ID: 637668). Advanced modeling of protein sequence and biophysical properties (such as structural, functional, and spatial information, amino acid conservation, physicochemical variation, residue mobility, and thermodynamic stability) has been performed at Invitae for this missense variant, however the output from this modeling did not meet the statistical confidence thresholds required to predict the impact of this variant on GJB1 protein function. Experimental studies are conflicting or provide insufficient evidence to determine the effect of this variant on GJB1 function (PMID: 30737405). In summary, the available evidence is currently insufficient to determine the role of this variant in disease. Therefore, it has been classified as a Variant of Uncertain Significance.

Inherited Neuropathy Consortium
Classification: Uncertain significance for Charcot-Marie-Tooth disease. Review status: no assertion criteria provided. Collection method: literature only. Allele origin: germline. Affected: yes. Not counted in ClinVar's aggregate classification.

Literature cited by the submitters: PubMed 9401007 (cited by Labcorp Genetics (formerly Invitae), Labcorp and Inherited Neuropathy Consortium); PubMed 9566397 (cited by Labcorp Genetics (formerly Invitae), Labcorp); PubMed 30737405 (cited by Labcorp Genetics (formerly Invitae), Labcorp).